The following is an entry in ClinVar:

NM_001849.4(COL6A2):c.2515_2516del (p.Asp839fs)

Gene: COL6A2 (collagen type VI alpha 2 chain; plus strand). Cytogenetic location: 21q22.3.
Variant type: Deletion.
Coding change: c.2515_2516del on transcript NM_001849.4 (MANE Select); coding-DNA positions 2515 to 2516, 2 bases deleted (GA; older notation c.2515_2516delGA).
Protein change: p.Asp839fs; shifts the reading frame from aspartic acid 839.
Molecular consequence: frameshift variant.
Genome position (GRCh38, 1-based): chr21:46,132,007-46,132,008, GA deleted. VCF-style (leftmost placement, unchanged base first): chr21-46132006-GGA-G. GRCh37 (hg19) VCF-style: chr21-47551920-GGA-G.
Other names: c.2515_2516delGA (NM_001849.3); short protein forms D839fs.
Identifiers: ClinVar variation 418729 (VCV000418729.2), dbSNP rs1064793394, ClinGen allele CA16621032.
Genomic context (GRCh38, chr21:46,132,006, plus strand): 5'-CCCCACAGAGCTGTCCGTGGCACAGTGCACGCAGCGGCCCGTGGACATCGTCTTCCTGCT[GGA>G]CGGCTCCGAGCGGCTGGGTGAGCAGAACTTCCACAAGGCCCGGCGCTTCGTGGAGCAGGT-3'

ClinVar aggregate classification (germline): Pathogenic (1 of 4 stars; one submission).

Submission:

GeneDx
Classification: Pathogenic. Last evaluated: 2015-03-26. Review status: criteria provided, single submitter. Criteria: GeneDx Variant Classification (06012015). Collection method: clinical testing. Allele origin: germline. Affected: yes.
Comment: The c.2515_2516delGA variant in the COL6A2 gene has not been reported previously as a pathogenic variant nor as a benign polymorphism, to our knowledge. The c.2515_2516delGA variant causes a frameshift starting with codon Aspartic Acid 839, changes this amino acid to a Arginine residue and creates a premature Stop codon at position 7 of the new reading frame, denoted p.Asp839ArgfsX7. This variant is predicted to cause loss of normal protein function through protein truncation as the last 181amino acid residues are replaced by 6 aberrant residues. Protein truncating variants downstream of thisvariant have been reported in the Human Gene Mutation Database in association with COL6A2-relateddisorders (Stenson et al., 2014), supporting the pathogenicity of more upstream truncating variants. Thec.2515_2516delGA variant was not observed in approximately 6,500 individuals of European and AfricanAmerican ancestry in the NHLBI Exome Sequencing Project, indicating it is not a common benign variantin these populations. We interpret c.2515_2516delGA as a pathogenic variant.